The following is an entry in ClinVar:

NM_004982.4(KCNJ8):c.1232A>C (p.Gln411Pro)

Genes: KCNJ8 (potassium inwardly rectifying channel subfamily J member 8; minus strand), KCNJ8-AS1 (KCNJ8 antisense RNA 1; plus strand). Cytogenetic location: 12p12.1.
Variant type: single nucleotide variant.
Coding change: c.1232A>C on transcript NM_004982.4 (MANE Select); coding-DNA position 1232, A replaced by C.
Protein change: p.Gln411Pro; replaces glutamine 411 with proline.
Molecular consequence: missense variant.
Genome position (GRCh38, 1-based): chr12:21,765,766, T>G on the plus strand (A>C on the coding strand, the complement: KCNJ8 is on the minus strand). VCF-style: chr12-21765766-T-G. GRCh37 (hg19) VCF-style: chr12-21918700-T-G.
Other names: c.1232A>C (NM_004982.2); short protein forms Q411P.
Identifiers: ClinVar variation 1016861 (VCV001016861.9), dbSNP rs1940602689, ClinGen allele CA384121003.

ClinVar aggregate classification (germline): Uncertain significance. Review status: criteria provided, multiple submitters, no conflicts (2 of 4 stars). 2 submissions from 2 submitters: Uncertain significance (2). Last evaluated 2024-03-13.

Conditions:
Brugada syndrome. Also called: Sudden unexpected nocturnal death syndrome; Sudden Unexplained Death Syndrome; Sudden Unexplained Nocturnal Death Syndrome (SUNDS); Sudden unexplained nocturnal death syndrome. Identifiers: Orphanet 130, MedGen C1142166, MONDO:0015263.
Cardiovascular phenotype. Identifiers: MedGen CN230736.

Submissions (2):

Ambry Genetics
Classification: Uncertain significance for Cardiovascular phenotype. Last evaluated: 2024-03-13. Review status: criteria provided, single submitter. Criteria: Ambry Variant Classification Scheme 2023. Collection method: clinical testing. Allele origin: germline.
Comment: The p.Q411P variant (also known as c.1232A>C), located in coding exon 2 of the KCNJ8 gene, results from an A to C substitution at nucleotide position 1232. The glutamine at codon 411 is replaced by proline, an amino acid with similar properties. This amino acid position is conserved. In addition, this alteration is predicted to be deleterious by in silico analysis. Based on the available evidence, the clinical significance of this alteration remains unclear.

Labcorp Genetics (formerly Invitae), Labcorp
Classification: Uncertain significance for Brugada syndrome. Last evaluated: 2020-06-21. Review status: criteria provided, single submitter. Criteria: Invitae Variant Classification Sherloc (09022015). Collection method: clinical testing. Allele origin: germline.
Comment: In summary, the available evidence is currently insufficient to determine the role of this variant in disease. Therefore, it has been classified as a Variant of Uncertain Significance. Algorithms developed to predict the effect of missense changes on protein structure and function are either unavailable or do not agree on the potential impact of this missense change (SIFT: "Tolerated"; PolyPhen-2: "Probably Damaging"; Align-GVGD: "Class C0"). This variant has not been reported in the literature in individuals with KCNJ8-related conditions. This variant is not present in population databases (ExAC no frequency). This sequence change replaces glutamine with proline at codon 411 of the KCNJ8 protein (p.Gln411Pro). The glutamine residue is highly conserved and there is a moderate physicochemical difference between glutamine and proline.